The following is an entry in ClinVar:

NM_000236.3(LIPC):c.280G>A (p.Gly94Ser)

Gene: LIPC (lipase C, hepatic type; plus strand). Cytogenetic location: 15q21.3.
Variant type: single nucleotide variant.
Coding change: c.280G>A on transcript NM_000236.3 (MANE Select); coding-DNA position 280, G replaced by A.
Protein change: p.Gly94Ser; replaces glycine 94 with serine.
Molecular consequence: missense variant.
Genome position (GRCh38, 1-based): chr15:58,541,791, G>A. VCF-style: chr15-58541791-G-A. GRCh37 (hg19) VCF-style: chr15-58833990-G-A.
Other names: short protein forms G94S.
Identifiers: ClinVar variation 2072120 (VCV002072120.4), dbSNP rs775782543, ClinGen allele CA7584797.
Genomic context (GRCh38, chr15:58,541,791, plus strand): 5'-GGGTGAGCGGGGAGAAAGGAAACTAGTGCGACCCTCCCTCTGTCCCCTCCTCAGGTGGAC[G>A]GCGTGCTAGAAAACTGGATCTGGCAGATGGTGGCCGCGCTGAAGTCTCAGCCGGCCCAGC-3'
Protein context (NP_000227.2, residues 84-104): VMIIHGWSVD[Gly94Ser]VLENWIWQMV

ClinVar aggregate classification (germline): Uncertain significance (1 of 4 stars; one submission).

Allele frequency attached by ClinVar (database versions not stated): ExAC 0.00001; gnomAD 0.00002; TOPMed 0.00002; gnomAD exomes 0.00001.
gnomAD v4.1: 12 of 1,613,320 alleles (0.00074%); highest among the groups gnomAD compares: African/African-American, 0.0053%; no homozygotes.

Submission:

Labcorp Genetics (formerly Invitae), Labcorp
Classification: Uncertain significance. Last evaluated: 2022-08-25. Review status: criteria provided, single submitter. Criteria: Invitae Variant Classification Sherloc (09022015). Collection method: clinical testing. Allele origin: germline.
Comment: This sequence change replaces glycine, which is neutral and non-polar, with serine, which is neutral and polar, at codon 94 of the LIPC protein (p.Gly94Ser). In summary, the available evidence is currently insufficient to determine the role of this variant in disease. Therefore, it has been classified as a Variant of Uncertain Significance. Algorithms developed to predict the effect of missense changes on protein structure and function are either unavailable or do not agree on the potential impact of this missense change (SIFT: "Tolerated"; PolyPhen-2: "Probably Damaging"; Align-GVGD: "Class C0"). This missense change has been observed in individual(s) with dyslipidemia (PMID: 32041611). This variant is present in population databases (rs775782543, gnomAD 0.008%).

Literature cited by the submitters: PubMed 32041611.